The following is an entry in ClinVar:

NM_030928.4(CDT1):c.1274G>A (p.Arg425Gln)

Gene: CDT1 (chromatin licensing and DNA replication factor 1; plus strand). Cytogenetic location: 16q24.3.
Variant type: single nucleotide variant.
Coding change: c.1274G>A on transcript NM_030928.4 (MANE Select); coding-DNA position 1274, G replaced by A.
Protein change: p.Arg425Gln; replaces arginine 425 with glutamine.
Molecular consequence: missense variant.
Genome position (GRCh38, 1-based): chr16:88,807,202, G>A. VCF-style: chr16-88807202-G-A. GRCh37 (hg19) VCF-style: chr16-88873610-G-A.
Other names: short protein forms R425Q.
Identifiers: ClinVar variation 3831077 (VCV003831077.2).

ClinVar aggregate classification (germline): Uncertain significance. Review status: criteria provided, multiple submitters, no conflicts (2 of 4 stars). 2 submissions from 2 submitters: Uncertain significance (2). Last evaluated 2025-03-06.

Conditions:
Inborn genetic diseases. Identifiers: MedGen C0950123, MeSH D030342.

Submissions (2):

Ambry Genetics
Classification: Uncertain significance for Inborn genetic diseases. Last evaluated: 2025-03-06. Review status: criteria provided, single submitter. Criteria: Ambry Variant Classification Scheme 2023. Collection method: clinical testing. Allele origin: germline.

Labcorp Genetics (formerly Invitae), Labcorp
Classification: Uncertain significance. Last evaluated: 2025-03-01. Review status: criteria provided, single submitter. Criteria: Invitae Variant Classification Sherloc (09022015). Collection method: clinical testing. Allele origin: germline.
Comment: This sequence change replaces arginine, which is basic and polar, with glutamine, which is neutral and polar, at codon 425 of the CDT1 protein (p.Arg425Gln). This variant is present in population databases (rs779795890, gnomAD 0.003%). This variant has not been reported in the literature in individuals affected with CDT1-related conditions. An algorithm developed to predict the effect of missense changes on protein structure and function (PolyPhen-2) suggests that this variant is likely to be disruptive. In summary, the available evidence is currently insufficient to determine the role of this variant in disease. Therefore, it has been classified as a Variant of Uncertain Significance.